The following is an entry in ClinVar:

ClinVar aggregate classification (germline): Uncertain significance. Review status: criteria provided, multiple submitters, no conflicts (2 of 4 stars). 2 submissions from 2 submitters: Uncertain significance (2). Last evaluated 2024-10-03.

Conditions:
Lymphoproliferative syndrome 1 (LPFS1). Identifiers: Orphanet 238505, Orphanet 538963, MedGen C3552634, MONDO:0013081, OMIM 613011.

Allele frequency attached by ClinVar (database versions not stated): TOPMed 0.00006; ExAC 0.00008; ESP Exome Variant Server 0.00008; gnomAD 0.00010 and 0.00011; gnomAD exomes 0.00011; 1000 Genomes Project 30x 0.00016; 1000 Genomes Project 0.00020.
gnomAD v4.1: 214 of 1,613,984 alleles (0.013%); highest among the groups gnomAD compares: Non-Finnish European, 0.016%; no homozygotes.

Submissions (2):

Blueprint Genetics
Classification: Uncertain significance. Last evaluated: 2024-10-03. Review status: criteria provided, single submitter. Criteria: ACMG Guidelines, 2015. Collection method: clinical testing. Allele origin: germline.

Labcorp Genetics (formerly Invitae), Labcorp
Classification: Uncertain significance for Lymphoproliferative syndrome 1. Last evaluated: 2022-08-22. Review status: criteria provided, single submitter. Criteria: Invitae Variant Classification Sherloc (09022015). Collection method: clinical testing. Allele origin: germline.
Comment: This sequence change replaces arginine, which is basic and polar, with glutamine, which is neutral and polar, at codon 562 of the ITK protein (p.Arg562Gln). This variant is present in population databases (rs142618425, gnomAD 0.02%). This variant has not been reported in the literature in individuals affected with ITK-related conditions. ClinVar contains an entry for this variant (Variation ID: 578820). Advanced modeling of protein sequence and biophysical properties (such as structural, functional, and spatial information, amino acid conservation, physicochemical variation, residue mobility, and thermodynamic stability) performed at Invitae indicates that this missense variant is not expected to disrupt ITK protein function. In summary, the available evidence is currently insufficient to determine the role of this variant in disease. Therefore, it has been classified as a Variant of Uncertain Significance.

NM_005546.4(ITK):c.1685G>A (p.Arg562Gln)

Gene: ITK (IL2 inducible T cell kinase; plus strand). Cytogenetic location: 5q33.3.
Variant type: single nucleotide variant.
Coding change: c.1685G>A on transcript NM_005546.4 (MANE Select); coding-DNA position 1685, G replaced by A.
Protein change: p.Arg562Gln; replaces arginine 562 with glutamine.
Molecular consequence: missense variant.
Genome position (GRCh38, 1-based): chr5:157,248,901, G>A. VCF-style: chr5-157248901-G-A. GRCh37 (hg19) VCF-style: chr5-156675911-G-A.
Other names: short protein forms R562Q.
Identifiers: ClinVar variation 578820 (VCV000578820.8), dbSNP rs142618425, ClinGen allele CA3533166.
Genomic context (GRCh38, chr5:157,248,901, plus strand): 5'-TTCTTGTAGGTGTGCTGATGTGGGAAGTTTTCAGTGAAGGCAAAATCCCGTATGAAAACC[G>A]AAGCAACTCAGAGGTGGTGGAAGACATCAGTACCGGATTTCGGTTGTACAAGCCCCGGCT-3'
Protein context (NP_005537.3, residues 552-572): FSEGKIPYEN[Arg562Gln]SNSEVVEDIS